The following is an entry in ClinVar:

ClinVar aggregate classification (germline): Uncertain significance (1 of 4 stars; one submission).

gnomAD v4.1: 1 of 1,601,974 alleles (0.000062%); highest among the groups gnomAD compares: African/African-American, 0.0013%; no homozygotes.

Submission:

Labcorp Genetics (formerly Invitae), Labcorp
Classification: Uncertain significance. Last evaluated: 2024-07-31. Review status: criteria provided, single submitter. Criteria: Invitae Variant Classification Sherloc (09022015). Collection method: clinical testing. Allele origin: germline.
Comment: This sequence change replaces arginine, which is basic and polar, with leucine, which is neutral and non-polar, at codon 416 of the KLF11 protein (p.Arg416Leu). This variant is not present in population databases (gnomAD no frequency). This variant has not been reported in the literature in individuals affected with KLF11-related conditions. An algorithm developed to predict the effect of missense changes on protein structure and function (PolyPhen-2) suggests that this variant is likely to be disruptive. In summary, the available evidence is currently insufficient to determine the role of this variant in disease. Therefore, it has been classified as a Variant of Uncertain Significance.

NM_003597.5(KLF11):c.1247G>T (p.Arg416Leu)

Gene: KLF11 (KLF transcription factor 11; plus strand). Cytogenetic location: 2p25.1.
Variant type: single nucleotide variant.
Coding change: c.1247G>T on transcript NM_003597.5 (MANE Select); coding-DNA position 1247, G replaced by T.
Protein change: p.Arg416Leu; replaces arginine 416 with leucine.
Molecular consequence: missense variant.
Genome position (GRCh38, 1-based): chr2:10,048,584, G>T. VCF-style: chr2-10048584-G-T. GRCh37 (hg19) VCF-style: chr2-10188711-G-T.
Other names: c.1196G>T, p.Arg399Leu (NM_001177716.2, NM_001177718.2); short protein forms R399L, R416L.
Identifiers: ClinVar variation 3696989 (VCV003696989.2).